The following is an entry in ClinVar:

ClinVar aggregate classification (germline): Pathogenic (1 of 4 stars; one submission).

Submission:

Labcorp Genetics (formerly Invitae), Labcorp
Classification: Pathogenic. Last evaluated: 2025-05-15. Review status: criteria provided, single submitter. Criteria: Invitae Variant Classification Sherloc (09022015). Collection method: clinical testing. Allele origin: germline.
Comment: This sequence change creates a premature translational stop signal (p.Thr487Aspfs*3) in the ACAN gene. It is expected to result in an absent or disrupted protein product. Loss-of-function variants in ACAN are known to be pathogenic (PMID: 16080123, 24762113). This variant is not present in population databases (gnomAD no frequency). This variant has not been reported in the literature in individuals affected with ACAN-related conditions. For these reasons, this variant has been classified as Pathogenic.

Literature cited by the submitters: PubMed 16080123; PubMed 24762113.

NM_001369268.1(ACAN):c.1458_1471del (p.Thr487fs)

Gene: ACAN (aggrecan; plus strand). Cytogenetic location: 15q26.1.
Variant type: Deletion.
Coding change: c.1458_1471del on transcript NM_001369268.1 (MANE Select); coding-DNA positions 1458 to 1471, 14 bases deleted (CACCCGCTACTCGC).
Protein change: p.Thr487fs; shifts the reading frame from threonine 487.
Molecular consequence: frameshift variant.
Genome position (GRCh38, 1-based): chr15:88,847,271-88,847,284, CACCCGCTACTCGC deleted; deleting any 14 consecutive bases within chr15:88,847,270-88,847,284 gives the same sequence; the c. name uses the placement nearest the transcript's 3' end. VCF-style (leftmost placement, unchanged base first): chr15-88847269-CCCACCCGCTACTCG-C. GRCh37 (hg19) VCF-style: chr15-89390500-CCCACCCGCTACTCG-C.
Other names: c.1458_1471del, p.Thr487fs (NM_001135.4, NM_001411096.1, NM_001411097.1 and 1 more transcripts); short protein forms T487fs.
Identifiers: ClinVar variation 4719664 (VCV004719664.1).
Genomic context (GRCh38, chr15:88,847,269, plus strand): 5'-CCCTGAACCTGACCGCTCCCTCCTCCCCACCCAGGGGTCGTCTTCCACTACCGCCCGGGA[CCCACCCGCTACTCG>C]CTGACCTTTGAGGAGGCACAGCAGGCCTGCCTGCGCACGGGGGCGGTCATTGCCTCGCCG-3'